The following is an entry in ClinVar:

NM_001852.4(COL9A2):c.887C>T (p.Pro296Leu)

Gene: COL9A2 (collagen type IX alpha 2 chain; minus strand). Cytogenetic location: 1p34.2.
Variant type: single nucleotide variant.
Coding change: c.887C>T on transcript NM_001852.4 (MANE Select); coding-DNA position 887, C replaced by T.
Protein change: p.Pro296Leu; replaces proline 296 with leucine.
Molecular consequence: missense variant.
Genome position (GRCh38, 1-based): chr1:40,308,205, G>A on the plus strand (C>T on the coding strand, the complement: COL9A2 is on the minus strand). VCF-style: chr1-40308205-G-A. GRCh37 (hg19) VCF-style: chr1-40773877-G-A.
Other names: c.887C>T (NM_001852.3); short protein forms P296L.
Identifiers: ClinVar variation 1498687 (VCV001498687.9), dbSNP rs749271511, ClinGen allele CA791697.

ClinVar aggregate classification (germline): Uncertain significance. Review status: criteria provided, multiple submitters, no conflicts (2 of 4 stars). 2 submissions from 2 submitters: Uncertain significance (2). Last evaluated 2023-12-02.

Conditions:
Inborn genetic diseases. Identifiers: MedGen C0950123, MeSH D030342.

Allele frequency attached by ClinVar (database versions not stated): ExAC 0.00001; gnomAD exomes 0.00001; TOPMed 0.00002; gnomAD 0.00004.
gnomAD v4.1: 17 of 1,613,982 alleles (0.0011%); highest among the groups gnomAD compares: African/African-American, 0.0093%; no homozygotes.

Submissions (2):

Labcorp Genetics (formerly Invitae), Labcorp
Classification: Uncertain significance. Last evaluated: 2023-12-02. Review status: criteria provided, single submitter. Criteria: Invitae Variant Classification Sherloc (09022015). Collection method: clinical testing. Allele origin: germline.
Comment: This sequence change replaces proline, which is neutral and non-polar, with leucine, which is neutral and non-polar, at codon 296 of the COL9A2 protein (p.Pro296Leu). This variant is present in population databases (rs749271511, gnomAD 0.02%). This variant has not been reported in the literature in individuals affected with COL9A2-related conditions. ClinVar contains an entry for this variant (Variation ID: 1498687). Advanced modeling of protein sequence and biophysical properties (such as structural, functional, and spatial information, amino acid conservation, physicochemical variation, residue mobility, and thermodynamic stability) performed at Invitae indicates that this missense variant is not expected to disrupt COL9A2 protein function with a negative predictive value of 95%. In summary, the available evidence is currently insufficient to determine the role of this variant in disease. Therefore, it has been classified as a Variant of Uncertain Significance.

Ambry Genetics
Classification: Uncertain significance for Inborn genetic diseases. Last evaluated: 2021-08-06. Review status: criteria provided, single submitter. Criteria: Ambry Variant Classification Scheme 2023. Collection method: clinical testing. Allele origin: germline.
Comment: The c.887C>T (p.P296L) alteration is located in exon 17 (coding exon 17) of the COL9A2 gene. This alteration results from a C to T substitution at nucleotide position 887, causing the proline (P) at amino acid position 296 to be replaced by a leucine (L). Based on data from gnomAD, the T allele has an overall frequency of <0.01% (5/282,604) total alleles studied. The highest observed frequency was 0.02% (4/24,956) of African alleles. This amino acid position is not well conserved in available vertebrate species. This alteration is predicted to be tolerated by in silico analysis. Based on insufficient or conflicting evidence, the clinical significance of this alteration remains unclear.